The following is an entry in ClinVar:

NM_001281740.3(FHOD3):c.2702C>T (p.Ala901Val)

Gene: FHOD3 (formin homology 2 domain containing 3; plus strand). Cytogenetic location: 18q12.2.
Variant type: single nucleotide variant.
Coding change: c.2702C>T on transcript NM_001281740.3 (MANE Select); coding-DNA position 2702, C replaced by T.
Protein change: p.Ala901Val; replaces alanine 901 with valine.
Molecular consequence: missense variant.
Genome position (GRCh38, 1-based): chr18:36,718,000, C>T. VCF-style: chr18-36718000-C-T. GRCh37 (hg19) VCF-style: chr18-34297963-C-T.
Other names: c.2126C>T, p.Ala709Val (NM_001281739.3); c.2177C>T, p.Ala726Val (NM_025135.5); short protein forms A709V, A726V, A901V.
Identifiers: ClinVar variation 3895193 (VCV003895193.2), dbSNP rs146524905.

ClinVar aggregate classification (germline): Conflicting classifications of pathogenicity. Review status: criteria provided, conflicting classifications (1 of 4 stars). 2 submissions from 2 submitters: Uncertain significance (1); Likely benign (1). Last evaluated 2025-04-09.

Conditions:
Cardiovascular phenotype. Identifiers: MedGen CN230736.

gnomAD v4.1: 59 of 1,611,100 alleles (0.0037%); highest among the groups gnomAD compares: Admixed American, 0.017%; no homozygotes.

Submissions (2):

Molecular Diagnostic Laboratory for Inherited Cardiovascular Disease, Montreal Heart Institute
Classification: Uncertain significance for Cardiovascular phenotype. Last evaluated: 2025-04-09. Review status: criteria provided, single submitter. Criteria: ACMG Guidelines, 2015. Collection method: clinical testing. Allele origin: germline. Affected: yes.
Comment: PM2;BP4

Blueprint Genetics
Classification: Likely benign. Last evaluated: 2024-01-08. Review status: criteria provided, single submitter. Criteria: ACMG Guidelines, 2015. Collection method: clinical testing. Allele origin: germline.